The following is an entry in ClinVar:

NM_000081.4(LYST):c.6122-4C>T

Gene: LYST (lysosomal trafficking regulator; minus strand). Cytogenetic location: 1q42.3.
Variant type: single nucleotide variant.
Coding change: c.6122-4C>T on transcript NM_000081.4 (MANE Select); 4 bases into the intron before coding-DNA position 6122, C replaced by T.
Molecular consequence: intron variant.
Genome position (GRCh38, 1-based): chr1:235,762,855, G>A on the plus strand (C>T on the coding strand, the complement: LYST is on the minus strand). VCF-style: chr1-235762855-G-A. GRCh37 (hg19) VCF-style: chr1-235926155-G-A.
Other names: c.6122-4C>T (NM_001301365.1).
Identifiers: ClinVar variation 4689365 (VCV004689365.1).

ClinVar aggregate classification (germline): Likely benign (1 of 4 stars; one submission).

Submission:

Women's Health and Genetics/Laboratory Corporation of America, LabCorp
Classification: Likely benign. Last evaluated: 2026-01-15. Review status: criteria provided, single submitter. Criteria: LabCorp Variant Classification Summary - May 2015. Collection method: clinical testing. Allele origin: germline.
Comment: Variant summary: LYST c.6122-4C>T alters a nucleotide located at a position not widely known to affect splicing. Consensus agreement among computation tools predicts no significant impact on normal splicing. However, these predictions have yet to be confirmed by functional studies. The variant was absent in 250096 control chromosomes (gnomAD). The available data on variant occurrences in the general population are insufficient to allow any conclusion about variant significance. c.6122-4C>T has been observed in heterozygous state (i.e. without a second variant) in an individual from a hemophagocytic lymphohistiocytosis (HLH) patient cohort (Cetica_2015). This report does not provide unequivocal conclusions about association of the variant with Chediak-Higashi Syndrome. To our knowledge, no experimental evidence demonstrating an impact on protein function has been reported. The following publications have been ascertained in the context of this evaluation (PMID: 25312756, 37788905). No submitters have cited clinical-significance assessments for this variant to ClinVar. Based on the evidence outlined above, the variant was classified as likely benign.

Literature cited by the submitters: PubMed 25312756; PubMed 37788905.